The following is an entry in ClinVar:

ClinVar aggregate classification (germline): Benign (1 of 4 stars; one submission).

Allele frequency attached by ClinVar (database versions not stated): 1000 Genomes Project 0.00040; 1000 Genomes Project 30x 0.00047.
gnomAD v4.1: 429 of 398,862 alleles (0.11%); highest among the groups gnomAD compares: Non-Finnish European, 0.16%; 2 homozygotes.

Submission:

CeGaT Center for Human Genetics Tuebingen
Classification: Benign. Last evaluated: 2026-09-01. Review status: criteria provided, single submitter. Criteria: CeGaT Center For Human Genetics Tuebingen Variant Classification Criteria Version 2. Collection method: clinical testing. Allele origin: germline. Affected: yes. Observed: 5 variant alleles.
Comment: KCNQ1OT1: BS1, BS2

NM_000218.3(KCNQ1):c.1394-10914C>G

Genes: KCNQ1 (potassium voltage-gated channel subfamily Q member 1; plus strand), KCNQ1OT1 (KCNQ1 opposite strand/antisense transcript 1; minus strand). Cytogenetic location: 11p15.5.
Variant type: single nucleotide variant.
Coding change: c.1394-10914C>G on transcript NM_000218.3 (MANE Select); 10914 bases into the intron before coding-DNA position 1394, C replaced by G.
Molecular consequence: intron variant. On other transcripts: non-coding transcript variant (1).
Genome position (GRCh38, 1-based): chr11:2,651,047, C>G. VCF-style: chr11-2651047-C-G. GRCh37 (hg19) VCF-style: chr11-2672277-C-G.
Other names: c.1124-10914C>G (NM_001406837.1); c.1298-10914C>G (NM_001406836.1); c.854-10914C>G (NM_001406838.1); c.1013-10914C>G (NM_181798.2).
Identifiers: ClinVar variation 2641433 (VCV002641433.24), dbSNP rs183092035, ClinGen allele CA15691260.